The following is an entry in ClinVar:

NM_004972.4(JAK2):c.397C>T (p.Arg133Trp)

Genes: JAK2 (Janus kinase 2; plus strand), INSL6 (insulin like 6; minus strand). Cytogenetic location: 9p24.1.
Variant type: single nucleotide variant.
Coding change: c.397C>T on transcript NM_004972.4 (MANE Select); coding-DNA position 397, C replaced by T.
Protein change: p.Arg133Trp; replaces arginine 133 with tryptophan.
Molecular consequence: missense variant. On other transcripts: 5 prime UTR variant (3), non-coding transcript variant (2).
Genome position (GRCh38, 1-based): chr9:5,044,449, C>T. VCF-style: chr9-5044449-C-T. GRCh37 (hg19) VCF-style: chr9-5044449-C-T.
Other names: c.397C>T, p.Arg133Trp (NM_001322194.2, NM_001322195.2, NM_001322196.2); c.-724C>T (NM_001322198.2, NM_001322199.2); c.-51C>T (NM_001322204.2); short protein forms R133W.
Identifiers: ClinVar variation 2748717 (VCV002748717.4), dbSNP rs371826393, ClinGen allele CA4971577.

ClinVar aggregate classification (germline): Uncertain significance. Review status: criteria provided, multiple submitters, no conflicts (2 of 4 stars). 2 submissions from 2 submitters: Uncertain significance (2). Last evaluated 2025-02-13.

Conditions:
Inborn genetic diseases. Identifiers: MedGen C0950123, MeSH D030342.

Allele frequency attached by ClinVar (database versions not stated): ExAC 0.00002; TOPMed 0.00002; gnomAD 0.00003; ESP Exome Variant Server 0.00015.
gnomAD v4.1: 10 of 1,613,072 alleles (0.00062%); highest among the groups gnomAD compares: Non-Finnish European, 0.00076%; no homozygotes.

Submissions (2):

Ambry Genetics
Classification: Uncertain significance for Inborn genetic diseases. Last evaluated: 2025-02-13. Review status: criteria provided, single submitter. Criteria: Ambry Variant Classification Scheme 2023. Collection method: clinical testing. Allele origin: germline.

Labcorp Genetics (formerly Invitae), Labcorp
Classification: Uncertain significance. Last evaluated: 2023-12-11. Review status: criteria provided, single submitter. Criteria: Invitae Variant Classification Sherloc (09022015). Collection method: clinical testing. Allele origin: germline.
Comment: This sequence change replaces arginine, which is basic and polar, with tryptophan, which is neutral and slightly polar, at codon 133 of the JAK2 protein (p.Arg133Trp). This variant is present in population databases (rs371826393, gnomAD 0.004%). This variant has not been reported in the literature in individuals affected with JAK2-related conditions. Advanced modeling of protein sequence and biophysical properties (such as structural, functional, and spatial information, amino acid conservation, physicochemical variation, residue mobility, and thermodynamic stability) performed at Invitae indicates that this missense variant is expected to disrupt JAK2 protein function with a positive predictive value of 80%. In summary, the available evidence is currently insufficient to determine the role of this variant in disease. Therefore, it has been classified as a Variant of Uncertain Significance.